The following is an entry in ClinVar:

ClinVar aggregate classification (germline): Uncertain significance (1 of 4 stars; one submission).

gnomAD v4.1: 1 of 1,614,012 alleles (0.000062%); highest among the groups gnomAD compares: Non-Finnish European, 0.000085%; no homozygotes.

Submission:

Ambry Genetics
Classification: Uncertain significance. Last evaluated: 2025-01-01. Review status: criteria provided, single submitter. Criteria: Ambry Variant Classification Scheme 2023. Collection method: clinical testing. Allele origin: germline.
Comment: The p.K420T variant (also known as c.1259A>C), located in coding exon 5 of the WNK2 gene, results from an A to C substitution at nucleotide position 1259. The lysine at codon 420 is replaced by threonine, an amino acid with similar properties. This amino acid position is conserved. In addition, the in silico prediction for this alteration is inconclusive. Based on the available evidence, the clinical significance of this variant remains unclear.

NM_006648.4(WNK2):c.1259A>C (p.Lys420Thr)

Gene: WNK2 (WNK lysine deficient protein kinase 2; plus strand). Cytogenetic location: 9q22.31.
Variant type: single nucleotide variant.
Coding change: c.1259A>C on transcript NM_006648.4 (MANE Select); coding-DNA position 1259, A replaced by C.
Protein change: p.Lys420Thr; replaces lysine 420 with threonine.
Molecular consequence: missense variant.
Genome position (GRCh38, 1-based): chr9:93,238,258, A>C. VCF-style: chr9-93238258-A-C. GRCh37 (hg19) VCF-style: chr9-96000540-A-C.
Other names: c.1259A>C, p.Lys420Thr (NM_001282394.3); short protein forms K420T.
Identifiers: ClinVar variation 3816693 (VCV003816693.1).